The following is an entry in ClinVar:

ClinVar aggregate classification (germline): Benign/Likely benign. Review status: criteria provided, multiple submitters, no conflicts (2 of 4 stars). 6 submissions from 6 submitters: Benign (1); Likely benign (4). 1 of the submissions does not count toward it. Last evaluated 2026-01-15.

Conditions:
Primary ciliary dyskinesia. Also called: Ciliary dyskinesia. Identifiers: Orphanet 244, MedGen C0008780, MONDO:0016575, HP:0012265.
Primary ciliary dyskinesia 3. Identifiers: Orphanet 244, MedGen C1837618, MONDO:0012085, OMIM 608644.

Allele frequency attached by ClinVar (database versions not stated): gnomAD 0.00033 and 0.00046; gnomAD exomes 0.00042 and 0.00104; TOPMed 0.00065; ExAC 0.00102; 1000 Genomes Project 30x 0.00234; 1000 Genomes Project 0.00260.
gnomAD v4.1: 682 of 1,614,142 alleles (0.042%); highest among the groups gnomAD compares: East Asian, 1.4%; 9 homozygotes.

Submissions (6):

Labcorp Genetics (formerly Invitae), Labcorp
Classification: Benign for Primary ciliary dyskinesia. Last evaluated: 2026-01-15. Review status: criteria provided, single submitter. Criteria: Invitae Variant Classification Sherloc (09022015). Collection method: clinical testing. Allele origin: germline.

Blueprint Genetics
Classification: Likely benign. Last evaluated: 2024-09-06. Review status: criteria provided, single submitter. Criteria: ACMG Guidelines, 2015. Collection method: clinical testing. Allele origin: germline.

Fulgent Genetics
Classification: Likely benign for Primary ciliary dyskinesia 3. Last evaluated: 2021-08-03. Review status: criteria provided, single submitter. Criteria: ACMG Guidelines, 2015. Collection method: clinical testing. Allele origin: unknown.

Illumina Laboratory Services, Illumina
Classification: Likely benign for Primary ciliary dyskinesia 3. Last evaluated: 2018-01-12. Review status: criteria provided, single submitter. Criteria: ICSL Variant Classification Criteria 13 December 2019. Collection method: clinical testing. Allele origin: germline.
Comment: This variant was observed in the ICSL laboratory as part of a predisposition screen in an ostensibly healthy population. It had not been previously curated by ICSL or reported in the Human Gene Mutation Database (HGMD: prior to June 1st, 2018), and was therefore a candidate for classification through an automated scoring system. Utilizing variant allele frequency, disease prevalence and penetrance estimates, and inheritance mode, an automated score was calculated to assess if this variant is too frequent to cause the disease. Based on the score and internal cut-off values, a variant classified as likely benign is not then subjected to further curation. The score for this variant resulted in a classification of likely benign for this disease.

Ambry Genetics
Classification: Likely benign for Primary ciliary dyskinesia. Last evaluated: 2014-08-05. Review status: criteria provided, single submitter. Criteria: Ambry Variant Classification Scheme 2023. Collection method: clinical testing. Allele origin: germline.

Natera, Inc.
Classification: Likely benign for Primary ciliary dyskinesia. Last evaluated: 2020-01-08. Review status: no assertion criteria provided. Collection method: clinical testing. Allele origin: germline. Not counted in ClinVar's aggregate classification.

NM_001369.3(DNAH5):c.894C>G (p.Asn298Lys)

Gene: DNAH5 (dynein axonemal heavy chain 5; minus strand). Cytogenetic location: 5p15.2.
Variant type: single nucleotide variant.
Coding change: c.894C>G on transcript NM_001369.3 (MANE Select); coding-DNA position 894, C replaced by G.
Protein change: p.Asn298Lys; replaces asparagine 298 with lysine.
Molecular consequence: missense variant.
Genome position (GRCh38, 1-based): chr5:13,919,257, G>C on the plus strand (C>G on the coding strand, the complement: DNAH5 is on the minus strand). VCF-style: chr5-13919257-G-C. GRCh37 (hg19) VCF-style: chr5-13919366-G-C.
Other names: short protein forms N298K.
Identifiers: ClinVar variation 351218 (VCV000351218.21), dbSNP rs116995413, ClinGen allele CA3205041.